The following is an entry in ClinVar:

ClinVar aggregate classification (germline): Uncertain significance (1 of 4 stars; one submission).

Allele frequency attached by ClinVar (database versions not stated): gnomAD exomes below 0.00001.
gnomAD v4.1: 2 of 1,613,116 alleles (0.00012%); highest among the groups gnomAD compares: African/African-American, 0.0013%; no homozygotes.

Submission:

Labcorp Genetics (formerly Invitae), Labcorp
Classification: Uncertain significance. Last evaluated: 2024-02-24. Review status: criteria provided, single submitter. Criteria: Invitae Variant Classification Sherloc (09022015). Collection method: clinical testing. Allele origin: germline.
Comment: This sequence change replaces valine, which is neutral and non-polar, with alanine, which is neutral and non-polar, at codon 483 of the CDT1 protein (p.Val483Ala). This variant is not present in population databases (gnomAD no frequency). This variant has not been reported in the literature in individuals affected with CDT1-related conditions. ClinVar contains an entry for this variant (Variation ID: 1370002). Algorithms developed to predict the effect of missense changes on protein structure and function output the following: SIFT: "Not Available"; PolyPhen-2: "Benign"; Align-GVGD: "Not Available". The alanine amino acid residue is found in multiple mammalian species, which suggests that this missense change does not adversely affect protein function. In summary, the available evidence is currently insufficient to determine the role of this variant in disease. Therefore, it has been classified as a Variant of Uncertain Significance.

NM_030928.4(CDT1):c.1448T>C (p.Val483Ala)

Gene: CDT1 (chromatin licensing and DNA replication factor 1; plus strand). Cytogenetic location: 16q24.3.
Variant type: single nucleotide variant.
Coding change: c.1448T>C on transcript NM_030928.4 (MANE Select); coding-DNA position 1448, T replaced by C.
Protein change: p.Val483Ala; replaces valine 483 with alanine.
Molecular consequence: missense variant.
Genome position (GRCh38, 1-based): chr16:88,807,453, T>C. VCF-style: chr16-88807453-T-C. GRCh37 (hg19) VCF-style: chr16-88873861-T-C.
Other names: short protein forms V483A.
Identifiers: ClinVar variation 1370002 (VCV001370002.8), dbSNP rs1597506511, ClinGen allele CA397082387.
Genomic context (GRCh38, chr16:88,807,453, plus strand): 5'-GCGTCTTTGTGTCCGAACGCAAGCCTGCGCTCAGCATGGAGGTGGCCTGTGCCAGGATGG[T>C]GGGCAGCTGTTGTACTATCATGAGCCCTGGTACGTGCAGGGCGGGGTGAAGGGGCGTGCA-3'
Protein context (NP_112190.2, residues 473-493): LSMEVACARM[Val483Ala]GSCCTIMSPG